The following is an entry in ClinVar:

NM_000426.4(LAMA2):c.1208T>C (p.Val403Ala)

Gene: LAMA2 (laminin subunit alpha 2; plus strand). Cytogenetic location: 6q22.33.
Variant type: single nucleotide variant.
Coding change: c.1208T>C on transcript NM_000426.4 (MANE Select); coding-DNA position 1208, T replaced by C.
Protein change: p.Val403Ala; replaces valine 403 with alanine.
Molecular consequence: missense variant.
Genome position (GRCh38, 1-based): chr6:129,165,577, T>C. VCF-style: chr6-129165577-T-C. GRCh37 (hg19) VCF-style: chr6-129486722-T-C.
Other names: c.1208T>C, p.Val403Ala (NM_001079823.2); short protein forms V403A.
Identifiers: ClinVar variation 641369 (VCV000641369.9), dbSNP rs1583168949, ClinGen allele CA365607166.

ClinVar aggregate classification (germline): Uncertain significance (1 of 4 stars; one submission).

Conditions:
LAMA2-related muscular dystrophy (LAMA2-RD). Also called: Laminin alpha 2-related dystrophy. Identifiers: MedGen C5679788, MONDO:0100228.

Submission:

Labcorp Genetics (formerly Invitae), Labcorp
Classification: Uncertain significance for LAMA2-related muscular dystrophy. Last evaluated: 2022-03-09. Review status: criteria provided, single submitter. Criteria: Invitae Variant Classification Sherloc (09022015). Collection method: clinical testing. Allele origin: germline.
Comment: In summary, the available evidence is currently insufficient to determine the role of this variant in disease. Therefore, it has been classified as a Variant of Uncertain Significance. Algorithms developed to predict the effect of missense changes on protein structure and function are either unavailable or do not agree on the potential impact of this missense change (SIFT: "Deleterious"; PolyPhen-2: "Possibly Damaging"; Align-GVGD: "Class C0"). This sequence change replaces valine, which is neutral and non-polar, with alanine, which is neutral and non-polar, at codon 403 of the LAMA2 protein (p.Val403Ala). This variant is not present in population databases (gnomAD no frequency). This variant has not been reported in the literature in individuals affected with LAMA2-related conditions. ClinVar contains an entry for this variant (Variation ID: 641369).